The following is an entry in ClinVar:

ClinVar aggregate classification (germline): Uncertain significance. Review status: criteria provided, multiple submitters, no conflicts (2 of 4 stars). 3 submissions from 3 submitters: Uncertain significance (3). Last evaluated 2025-07-10.

Conditions:
Hereditary cancer-predisposing syndrome. Also called: Hereditary neoplastic syndrome; Neoplastic Syndromes, Hereditary; Hereditary Cancer Syndrome; Tumor predisposition. Identifiers: Orphanet 140162, MedGen C0027672, MeSH D009386, MONDO:0015356.

Submissions (3):

Dasa
Classification: Uncertain significance. Last evaluated: 2025-07-10. Review status: criteria provided, single submitter. Criteria: DASA Assertion Criteria. Collection method: clinical testing. Allele origin: germline.
Comment: NM_058216.3(RAD51C):c.919C>T (p.His307Tyr) is a missense variant that results in the substitution of histidine with tyrosine. This variant is absent from population databases. Computational prediction algorithms are consistent with a benign effect. The currently available literature and clinical evidence are not sufficient to establish a definitive association between this variant and the reported condition. Therefore, this variant is classified as a variant of uncertain significance.

Color Diagnostics, LLC DBA Color Health
Classification: Uncertain significance for Hereditary cancer-predisposing syndrome. Last evaluated: 2023-12-04. Review status: criteria provided, single submitter. Criteria: ACMG Guidelines, 2015. Collection method: clinical testing. Allele origin: germline.
Comment: This missense variant replaces histidine with tyrosine at codon 307 of the RAD51C protein. Computational prediction suggests that this variant may not impact protein structure and function (internally defined REVEL score threshold <= 0.5, PMID: 27666373). To our knowledge, functional studies have not been reported for this variant. This variant has not been reported in individuals affected with RAD51C-related disorders in the literature. This variant has not been identified in the general population by the Genome Aggregation Database (gnomAD). The available evidence is insufficient to determine the role of this variant in disease conclusively. Therefore, this variant is classified as a Variant of Uncertain Significance.

Mendelics
Classification: Uncertain significance. Last evaluated: 2022-05-04. Review status: criteria provided, single submitter. Criteria: Mendelics Assertion Criteria 2019. Collection method: clinical testing. Allele origin: germline.

NM_058216.3(RAD51C):c.919C>T (p.His307Tyr)

Gene: RAD51C (RAD51 paralog C; plus strand). Cytogenetic location: 17q22.
Variant type: single nucleotide variant.
Coding change: c.919C>T on transcript NM_058216.3 (MANE Select); coding-DNA position 919, C replaced by T.
Protein change: p.His307Tyr; replaces histidine 307 with tyrosine.
Molecular consequence: missense variant. On other transcripts: non-coding transcript variant (1).
Genome position (GRCh38, 1-based): chr17:58,724,054, C>T. VCF-style: chr17-58724054-C-T. GRCh37 (hg19) VCF-style: chr17-56801415-C-T.
Other names: short protein forms H307Y.
Identifiers: ClinVar variation 921160 (VCV000921160.7), dbSNP rs2049021432, ClinGen allele CA400361333.